The following is an entry in ClinVar:

ClinVar aggregate classification (germline): Benign. Review status: reviewed by expert panel (3 of 4 stars). 19 submissions from 19 submitters: Benign (1). 18 of the submissions do not count toward it. Last evaluated 2015-08-10.

Conditions:
BRCA2-related cancer predisposition. Identifiers: MedGen CN377758, MONDO:0700269.
BRCA2-related disorder. Also called: BRCA2-related condition; BRCA2-related disorders. Identifiers: MedGen CN239275.
Breast and/or ovarian cancer. Identifiers: MedGen CN221562.
Hereditary cancer-predisposing syndrome. Also called: Hereditary Cancer Syndrome; Tumor predisposition; Neoplastic Syndromes, Hereditary; Hereditary neoplastic syndrome. Identifiers: Orphanet 140162, MedGen C0027672, MeSH D009386, MONDO:0015356.
Hereditary breast ovarian cancer syndrome. Also called: Breast and ovarian cancer; BRCA1- and BRCA2-Associated Hereditary Breast and Ovarian Cancer; Hereditary breast and ovarian cancer; Hereditary breast and ovarian cancer syndrome (HBOC); Hereditary breast and ovarian cancer syndrome; Hereditary breast and/or ovarian cancer syndrome. Identifiers: Orphanet 145, MedGen C0677776, MeSH D061325, MONDO:0003582. Disease mechanism: loss of function.
Breast-ovarian cancer, familial, susceptibility to, 2 (BROVCA2). Also called: BRCA2 Hereditary Breast and Ovarian Cancer. Identifiers: Orphanet 145, MedGen C2675520, MONDO:0012933, OMIM 612555. Disease mechanism: loss of function.

Allele frequency attached by ClinVar (database versions not stated): gnomAD exomes 0.00006 and 0.00011; gnomAD 0.00007; ExAC 0.00011; TOPMed 0.00011.
gnomAD v4.1: 95 of 1,613,918 alleles (0.0059%); highest among the groups gnomAD compares: Admixed American, 0.035%; no homozygotes.

Submissions (19):

Evidence-based Network for the Interpretation of Germline Mutant Alleles (ENIGMA)
Classification: Benign for Breast-ovarian cancer, familial 2. Last evaluated: 2015-08-10. Review status: reviewed by expert panel. Criteria: ENIGMA BRCA1/2 Classification Criteria (2015). Collection method: curation. Allele origin: germline.
Comment: IARC class based on posterior probability from multifactorial likelihood analysis, thresholds for class as per Plon et al. 2008 (PMID: 18951446). Class 1 based on posterior probability = 0.0000000109

Labcorp Genetics (formerly Invitae), Labcorp
Classification: Benign for Hereditary breast ovarian cancer syndrome. Last evaluated: 2026-02-04. Review status: criteria provided, single submitter. Criteria: Invitae Variant Classification Sherloc (09022015). Collection method: clinical testing. Allele origin: germline. Not counted in ClinVar's aggregate classification.

Center for Genomic Medicine, Rigshospitalet, Copenhagen University Hospital
Classification: Benign. Last evaluated: 2025-03-04. Review status: criteria provided, single submitter. Criteria: ACMG Guidelines, 2015. Collection method: clinical testing. Allele origin: germline. Not counted in ClinVar's aggregate classification.

Department of Pathology and Laboratory Medicine, Sinai Health System
Classification: Benign for BRCA2-related cancer predisposition. Last evaluated: 2025-01-13. Review status: criteria provided, single submitter. Criteria: ACMG Guidelines, 2015. Collection method: clinical testing. Allele origin: germline. Not counted in ClinVar's aggregate classification.

ARUP Laboratories, Molecular Genetics and Genomics, ARUP Laboratories
Classification: Benign. Last evaluated: 2024-04-25. Review status: criteria provided, single submitter. Criteria: ARUP Molecular Germline Variant Investigation Process 2024. Collection method: clinical testing. Allele origin: germline. Not counted in ClinVar's aggregate classification.

CHEO Genetics Diagnostic Laboratory, Children's Hospital of Eastern Ontario
Classification: Likely benign for Breast and/or ovarian cancer. Last evaluated: 2023-05-23. Review status: criteria provided, single submitter. Criteria: ACMG Guidelines, 2015. Collection method: clinical testing. Allele origin: germline. Not counted in ClinVar's aggregate classification.

CeGaT Center for Human Genetics Tuebingen
Classification: Likely benign. Last evaluated: 2023-05-01. Review status: criteria provided, single submitter. Criteria: CeGaT Center For Human Genetics Tuebingen Variant Classification Criteria Version 2. Collection method: clinical testing. Allele origin: germline. Affected: yes. Observed: 1 variant allele. Not counted in ClinVar's aggregate classification.
Comment: BRCA2: BP4

Genetic Services Laboratory, University of Chicago
Classification: Likely benign. Last evaluated: 2021-02-26. Review status: criteria provided, single submitter. Criteria: ACMG Guidelines, 2015. Collection method: clinical testing. Allele origin: germline. Affected: no. Not counted in ClinVar's aggregate classification.

Sema4
Classification: Likely benign for Hereditary cancer-predisposing syndrome. Last evaluated: 2021-02-25. Review status: criteria provided, single submitter. Criteria: Sema4 Curation Guidelines. Collection method: curation. Allele origin: germline. Not counted in ClinVar's aggregate classification.

Women's Health and Genetics/Laboratory Corporation of America, LabCorp
Classification: Benign. Last evaluated: 2020-09-21. Review status: criteria provided, single submitter. Criteria: LabCorp Variant Classification Summary - May 2015. Collection method: clinical testing. Allele origin: germline. Not counted in ClinVar's aggregate classification.
Comment: Variant summary: BRCA2 c.3568C>T (p.Arg1190Trp) results in a non-conservative amino acid change in the encoded protein sequence. Three of four in-silico tools predict a benign effect of the variant on protein function. The variant allele was found at a frequency of 0.00011 in 251026 control chromosomes. This frequency is not significantly higher than expected for a pathogenic variant in BRCA2 causing Hereditary Breast And Ovarian Cancer Syndrome (0.00011 vs 0.00075), allowing no conclusion about variant significance. c.3568C>T has been reported in the literature in individuals affected with Hereditary Breast And Ovarian Cancer Syndrome. These reports do not provide unequivocal conclusions about association of the variant with Hereditary Breast And Ovarian Cancer Syndrome. Eight clinical diagnostic laboratories have submitted clinical-significance assessments for this variant to ClinVar after 2014 without evidence for independent evaluation (benign/likely benign n=7, VUS n=1). In addition, one expert panel classified this variant as benign. Based on the evidence outlined above, the variant was classified as benign.

Quest Diagnostics Nichols Institute San Juan Capistrano
Classification: Benign. Last evaluated: 2019-07-24. Review status: criteria provided, single submitter. Criteria: Quest Diagnostics criteria. Collection method: clinical testing. Allele origin: unknown. Not counted in ClinVar's aggregate classification.

GeneDx
Classification: Likely benign. Last evaluated: 2019-05-29. Review status: criteria provided, single submitter. Criteria: GeneDx Variant Classification Process June 2021. Collection method: clinical testing. Allele origin: germline. Affected: yes. Not counted in ClinVar's aggregate classification.
Comment: This variant is associated with the following publications: (PMID: 17924331, 26243651, 21990134, 20127978, 24323938, 27124784, 24504028, 27495310, 28866612, 29349598, 25348012)

Mendelics
Classification: Likely benign for Breast-ovarian cancer, familial, susceptibility to, 2. Last evaluated: 2019-05-28. Review status: criteria provided, single submitter. Criteria: Mendelics Assertion Criteria 2017. Collection method: clinical testing. Allele origin: unknown. Not counted in ClinVar's aggregate classification.

Color Diagnostics, LLC DBA Color Health
Classification: Likely benign for Hereditary cancer-predisposing syndrome. Last evaluated: 2016-04-21. Review status: criteria provided, single submitter. Criteria: ACMG Guidelines, 2015. Collection method: clinical testing. Allele origin: germline. Not counted in ClinVar's aggregate classification.

Ambry Genetics
Classification: Benign for Hereditary cancer-predisposing syndrome. Last evaluated: 2014-11-19. Review status: criteria provided, single submitter. Criteria: Ambry Variant Classification Scheme 2023. Collection method: clinical testing. Allele origin: germline. Not counted in ClinVar's aggregate classification.

PreventionGenetics, part of Exact Sciences
Classification: Benign for BRCA2-related condition. Last evaluated: 2024-06-27. Review status: no assertion criteria provided. Collection method: clinical testing. Allele origin: germline. Not counted in ClinVar's aggregate classification.
Comment: This variant is classified as benign based on ACMG/AMP sequence variant interpretation guidelines (Richards et al. 2015 PMID: 25741868, with internal and published modifications).

Institute for Biomarker Research, Medical Diagnostic Laboratories, L.L.C.
Classification: Likely benign for Hereditary breast ovarian cancer syndrome. Last evaluated: 2022-01-20. Review status: no assertion criteria provided. Collection method: clinical testing. Allele origin: germline. Not counted in ClinVar's aggregate classification.

Department of Medical Genetics, University Hospital of North Norway
Classification: Likely benign for Breast-ovarian cancer, familial, susceptibility to, 2. Last evaluated: 2016-05-01. Review status: no assertion criteria provided. Collection method: clinical testing. Allele origin: germline. Affected: yes. Observed: 1 variant allele. Not counted in ClinVar's aggregate classification.

Breast Cancer Information Core (BIC) (BRCA2)
Classification: Uncertain significance for Breast-ovarian cancer, familial 2. Last evaluated: 2002-05-29. Review status: no assertion criteria provided. Collection method: clinical testing. Allele origin: germline. Affected: yes. Observed: 12 variant alleles. Not counted in ClinVar's aggregate classification.

Literature cited by the submitters: PubMed 21990134 (cited by Evidence-based Network for the Interpretation of Germline Mutant Alleles (ENIGMA) and Women's Health and Genetics/Laboratory Corporation of America, LabCorp); PubMed 29021619 (cited by Department of Pathology and Laboratory Medicine, Sinai Health System and Women's Health and Genetics/Laboratory Corporation of America, LabCorp); PubMed 24504028 (cited by Department of Pathology and Laboratory Medicine, Sinai Health System and Women's Health and Genetics/Laboratory Corporation of America, LabCorp); PubMed 33471991 (cited by Department of Pathology and Laboratory Medicine, Sinai Health System); PubMed 17924331 (cited by Women's Health and Genetics/Laboratory Corporation of America, LabCorp and Quest Diagnostics Nichols Institute San Juan Capistrano); PubMed 24323938 (cited by Women's Health and Genetics/Laboratory Corporation of America, LabCorp and Quest Diagnostics Nichols Institute San Juan Capistrano); PubMed 20127978 (cited by Women's Health and Genetics/Laboratory Corporation of America, LabCorp); PubMed 25348012 (cited by Women's Health and Genetics/Laboratory Corporation of America, LabCorp); PubMed 26243651 (cited by Women's Health and Genetics/Laboratory Corporation of America, LabCorp); PubMed 27495310 (cited by 3 submitters); PubMed 18951461 (cited by Quest Diagnostics Nichols Institute San Juan Capistrano).

NM_000059.4(BRCA2):c.3568C>T (p.Arg1190Trp)

Gene: BRCA2 (BRCA2 DNA repair associated; plus strand). Cytogenetic location: 13q13.1.
Variant type: single nucleotide variant.
Coding change: c.3568C>T on transcript NM_000059.4 (MANE Select); coding-DNA position 3568, C replaced by T.
Protein change: p.Arg1190Trp; replaces arginine 1190 with tryptophan.
Molecular consequence: missense variant.
Genome position (GRCh38, 1-based): chr13:32,337,923, C>T. VCF-style: chr13-32337923-C-T. GRCh37 (hg19) VCF-style: chr13-32912060-C-T.
Other names: p.R1190W:CGG>TGG; 3796C>T; short protein forms R1190W.
Identifiers: ClinVar variation 51488 (VCV000051488.70), dbSNP rs80358604, ClinGen allele CA018352.